The following is an entry in ClinVar:

ClinVar aggregate classification (germline): Benign. Review status: criteria provided, multiple submitters, no conflicts (2 of 4 stars). 8 submissions from 8 submitters: Benign (8). Last evaluated 2026-01-28.

Conditions:
Maturity-onset diabetes of the young (MODY). Also called: Maturity onset diabetes mellitus in young. Identifiers: Orphanet 552, MedGen C0342276, MONDO:0018911, HP:0004904.

Allele frequency attached by ClinVar (database versions not stated): gnomAD exomes 0.00278; ExAC 0.00617; gnomAD 0.01142 and 0.01208; ESP Exome Variant Server 0.01219; TOPMed 0.01261; 1000 Genomes Project 0.01438; 1000 Genomes Project 30x 0.01483.
gnomAD v4.1: 3,206 of 1,527,022 alleles (0.21%); highest among the groups gnomAD compares: African/African-American, 3.9%; 65 homozygotes.

Submissions (8):

Labcorp Genetics (formerly Invitae), Labcorp
Classification: Benign. Last evaluated: 2026-01-28. Review status: criteria provided, single submitter. Criteria: Invitae Variant Classification Sherloc (09022015). Collection method: clinical testing. Allele origin: germline.

ARUP Laboratories, Molecular Genetics and Genomics, ARUP Laboratories
Classification: Benign. Last evaluated: 2024-07-25. Review status: criteria provided, single submitter. Criteria: ARUP Molecular Germline Variant Investigation Process 2024. Collection method: clinical testing. Allele origin: germline.

Athena Diagnostics
Classification: Benign. Last evaluated: 2017-07-26. Review status: criteria provided, single submitter. Criteria: Athena Diagnostics Criteria. Collection method: clinical testing. Allele origin: germline.

GeneDx
Classification: Benign. Last evaluated: 2016-06-06. Review status: criteria provided, single submitter. Criteria: GeneDx Variant Classification (06012015). Collection method: clinical testing. Allele origin: germline. Affected: yes.
Comment: This variant is considered likely benign or benign based on one or more of the following criteria: it is a conservative change, it occurs at a poorly conserved position in the protein, it is predicted to be benign by multiple in silico algorithms, and/or has population frequency not consistent with disease.

Ambry Genetics
Classification: Benign for Maturity-onset diabetes of the young. Last evaluated: 2015-02-13. Review status: criteria provided, single submitter. Criteria: Ambry Variant Classification Scheme 2023. Collection method: clinical testing. Allele origin: germline.

Breakthrough Genomics
Classification: Benign. Review status: criteria provided, single submitter. Criteria: ACMG Guidelines, 2015. Collection method: not provided. Allele origin: germline. Inheritance: Autosomal dominant inheritance. Affected: yes.

Clinical Genomics, Uppaluri K&H Personalized Medicine Clinic
Classification: Benign for Maturity-onset diabetes of the young. Review status: criteria provided, single submitter. Criteria: K & H Uppaluri Personalized Medicine Clinic Variant Classification & Assertion Criteria_Updated V.1. Collection method: research. Allele origin: unknown. Inheritance: Autosomal dominant inheritance.
Comment: Potent mutations in HNF4A are associated with poor insulin secretion in response to hyperglycemia. Associated with MODY1. Patients initially respond well to sulfonylureas but eventually become insulin dependent. However, more evidence is required to ascertain the role of this particular variant rs112386711 in MODY, yet.

PreventionGenetics, part of Exact Sciences
Classification: Benign. Review status: criteria provided, single submitter. Criteria: ACMG Guidelines, 2015. Collection method: clinical testing. Allele origin: germline.

Literature cited by the submitters: DOI 10.1159/000334532 (cited by Clinical Genomics, Uppaluri K&H Personalized Medicine Clinic); PubMed 18268044 (cited by Clinical Genomics, Uppaluri K&H Personalized Medicine Clinic); PubMed 17563455 (cited by Clinical Genomics, Uppaluri K&H Personalized Medicine Clinic); PubMed 32583173 (cited by Clinical Genomics, Uppaluri K&H Personalized Medicine Clinic); PubMed 35052457 (cited by Clinical Genomics, Uppaluri K&H Personalized Medicine Clinic); PubMed 35118593 (cited by Clinical Genomics, Uppaluri K&H Personalized Medicine Clinic).

NM_175914.5(HNF4A):c.319+19C>T

Gene: HNF4A (hepatocyte nuclear factor 4 alpha; plus strand). Cytogenetic location: 20q13.12.
Variant type: single nucleotide variant.
Coding change: c.319+19C>T on transcript NM_175914.5 (MANE Select); 19 bases into the intron after coding-DNA position 319, C replaced by T.
Molecular consequence: intron variant.
Genome position (GRCh38, 1-based): chr20:44,407,494, C>T. VCF-style: chr20-44407494-C-T. GRCh37 (hg19) VCF-style: chr20-43036134-C-T.
Other names: c.310+19C>T (NM_001287182.2, NM_001287183.2, NM_001287184.2); c.319+19C>T (NM_001030003.3, NM_001030004.3); c.364+19C>T (NM_001258355.2); c.385+19C>T (NM_178849.3, NM_000457.6, NM_178850.3).
Identifiers: ClinVar variation 262914 (VCV000262914.15), dbSNP rs112386711, ClinGen allele CA9870211.